The following is an entry in ClinVar:

ClinVar aggregate classification (germline): Uncertain significance (1 of 4 stars; one submission).

Conditions:
USH2A-related disorder. Also called: USH2A-related disorders; USH2A-related condition. Identifiers: MedGen CN239332.

Submission:

PreventionGenetics, part of Exact Sciences
Classification: Uncertain significance for USH2A-related condition. Last evaluated: 2025-08-18. Review status: criteria provided, single submitter. Criteria: ACMG Guidelines, 2015. Collection method: clinical testing. Allele origin: germline.
Comment: The USH2A c.9935G>A variant is predicted to result in the amino acid substitution p.Gly3312Glu. To our knowledge, this variant has not been reported in the literature or in a large population database (gnomAD), indicating this variant is rare. At this time, the clinical significance of this variant is uncertain due to the absence of conclusive functional and genetic evidence.

NM_206933.4(USH2A):c.9935G>A (p.Gly3312Glu)

Gene: USH2A (usherin; minus strand). Cytogenetic location: 1q41.
Variant type: single nucleotide variant.
Coding change: c.9935G>A on transcript NM_206933.4 (MANE Select); coding-DNA position 9935, G replaced by A.
Protein change: p.Gly3312Glu; replaces glycine 3312 with glutamic acid.
Molecular consequence: missense variant.
Genome position (GRCh38, 1-based): chr1:215,798,930, C>T on the plus strand (G>A on the coding strand, the complement: USH2A is on the minus strand). VCF-style: chr1-215798930-C-T. GRCh37 (hg19) VCF-style: chr1-215972272-C-T.
Other names: short protein forms G3312E.
Identifiers: ClinVar variation 4991486 (VCV004991486.1).